The following is an entry in ClinVar:

ClinVar aggregate classification (germline): Likely benign. Review status: criteria provided, multiple submitters, no conflicts (2 of 4 stars). 8 submissions from 8 submitters: Likely benign (7). 1 of the submissions does not count toward it. Last evaluated 2026-04-01.

Conditions:
SCN3A-related disorder. Also called: SCN3A-related condition.
Inborn genetic diseases. Identifiers: MedGen C0950123, MeSH D030342.

Allele frequency attached by ClinVar (database versions not stated): 1000 Genomes Project 0.00080; ESP Exome Variant Server 0.00085; TOPMed 0.00097; 1000 Genomes Project 30x 0.00109; gnomAD 0.00112 and 0.00118; gnomAD exomes 0.00130 and 0.00152; ExAC 0.00153.
gnomAD v4.1: 2,094 of 1,614,002 alleles (0.13%); highest among the groups gnomAD compares: Middle Eastern, 0.45%; 7 homozygotes.

Submissions (8):

CeGaT Center for Human Genetics Tuebingen
Classification: Likely benign. Last evaluated: 2026-04-01. Review status: criteria provided, single submitter. Criteria: CeGaT Center For Human Genetics Tuebingen Variant Classification Criteria Version 2. Collection method: clinical testing. Allele origin: germline. Affected: yes. Observed: 8 variant alleles.
Comment: SCN3A: BS1

Labcorp Genetics (formerly Invitae), Labcorp
Classification: Likely benign. Last evaluated: 2026-02-02. Review status: criteria provided, single submitter. Criteria: Invitae Variant Classification Sherloc (09022015). Collection method: clinical testing. Allele origin: germline.

ARUP Laboratories, Molecular Genetics and Genomics, ARUP Laboratories
Classification: Likely benign. Last evaluated: 2025-01-22. Review status: criteria provided, single submitter. Criteria: ARUP Molecular Germline Variant Investigation Process 2024. Collection method: clinical testing. Allele origin: germline.

Blueprint Genetics
Classification: Likely benign. Last evaluated: 2024-11-13. Review status: criteria provided, single submitter. Criteria: ACMG Guidelines, 2015. Collection method: clinical testing. Allele origin: germline.

Ambry Genetics
Classification: Likely benign for Inborn genetic diseases. Last evaluated: 2021-06-23. Review status: criteria provided, single submitter. Criteria: Ambry Variant Classification Scheme 2023. Collection method: clinical testing. Allele origin: germline.

Eurofins Ntd Llc (ga)
Classification: Likely benign. Last evaluated: 2018-04-17. Review status: criteria provided, single submitter. Criteria: EGL ClinVar v180209 classification definitions. Collection method: clinical testing. Allele origin: germline. Observed: 2 variant alleles, 2 heterozygotes.

Breakthrough Genomics
Classification: Likely benign. Review status: criteria provided, single submitter. Criteria: ACMG Guidelines, 2015. Collection method: not provided. Allele origin: germline. Inheritance: Autosomal dominant inheritance. Affected: yes.

PreventionGenetics, part of Exact Sciences
Classification: Likely benign for SCN3A-related condition. Last evaluated: 2019-07-18. Review status: no assertion criteria provided. Collection method: clinical testing. Allele origin: germline. Not counted in ClinVar's aggregate classification.
Comment: This variant is classified as likely benign based on ACMG/AMP sequence variant interpretation guidelines (Richards et al. 2015 PMID: 25741868, with internal and published modifications).

NM_006922.4(SCN3A):c.1619C>T (p.Ser540Phe)

Gene: SCN3A (sodium voltage-gated channel alpha subunit 3; minus strand). Cytogenetic location: 2q24.3.
Variant type: single nucleotide variant.
Coding change: c.1619C>T on transcript NM_006922.4 (MANE Select); coding-DNA position 1619, C replaced by T.
Protein change: p.Ser540Phe; replaces serine 540 with phenylalanine.
Molecular consequence: missense variant.
Genome position (GRCh38, 1-based): chr2:165,146,791, G>A on the plus strand (C>T on the coding strand, the complement: SCN3A is on the minus strand). VCF-style: chr2-165146791-G-A. GRCh37 (hg19) VCF-style: chr2-166003301-G-A.
Other names: c.1619C>T, p.Ser540Phe (NM_001081676.2, NM_001081677.2); short protein forms S540F.
Identifiers: ClinVar variation 194080 (VCV000194080.44), dbSNP rs147678484, ClinGen allele CA239880.